The following is an entry in ClinVar:

NM_016151.4(TAOK2):c.1370G>A (p.Arg457Gln)

Gene: TAOK2 (TAO kinase 2; plus strand). Cytogenetic location: 16p11.2.
Variant type: single nucleotide variant.
Coding change: c.1370G>A on transcript NM_016151.4 (MANE Select); coding-DNA position 1370, G replaced by A.
Protein change: p.Arg457Gln; replaces arginine 457 with glutamine.
Molecular consequence: missense variant.
Genome position (GRCh38, 1-based): chr16:29,983,612, G>A. VCF-style: chr16-29983612-G-A. GRCh37 (hg19) VCF-style: chr16-29994933-G-A.
Other names: c.1370G>A, p.Arg457Gln (NM_001252043.2, NM_004783.4); short protein forms R457Q.
Identifiers: ClinVar variation 4705990 (VCV004705990.1).
Genomic context (GRCh38, chr16:29,983,612, plus strand): 5'-GCCCTCTCCAGCCGCCTGCAGCCCCAGCTCCCACTTCCACCACCTCTTCCGCCCGCCGCC[G>A]GGCCTACTGCCGTAACCGAGACCACTTTGCCACCATCCGAACCGCCTCCCTGGTGAGTGT-3'
Protein context (NP_057235.2, residues 447-467): PTSTTSSARR[Arg457Gln]AYCRNRDHFA

ClinVar aggregate classification (germline): Uncertain significance (1 of 4 stars; one submission).

Submission:

Labcorp Genetics (formerly Invitae), Labcorp
Classification: Uncertain significance. Last evaluated: 2025-03-01. Review status: criteria provided, single submitter. Criteria: Invitae Variant Classification Sherloc (09022015). Collection method: clinical testing. Allele origin: germline.
Comment: This sequence change replaces arginine, which is basic and polar, with glutamine, which is neutral and polar, at codon 457 of the TAOK2 protein (p.Arg457Gln). This variant is present in population databases (no rsID available, gnomAD 0.0009%). This variant has not been reported in the literature in individuals affected with TAOK2-related conditions. An algorithm developed to predict the effect of missense changes on protein structure and function (PolyPhen-2) suggests that this variant is likely to be disruptive. In summary, the available evidence is currently insufficient to determine the role of this variant in disease. Therefore, it has been classified as a Variant of Uncertain Significance.